The following is an entry in ClinVar:

ClinVar aggregate classification (germline): Uncertain significance. Review status: criteria provided, multiple submitters, no conflicts (2 of 4 stars). 2 submissions from 2 submitters: Uncertain significance (2). Last evaluated 2025-02-13.

Conditions:
Hereditary cancer-predisposing syndrome. Also called: Hereditary Cancer Syndrome; Tumor predisposition; Neoplastic Syndromes, Hereditary; Hereditary neoplastic syndrome. Identifiers: Orphanet 140162, MedGen C0027672, MeSH D009386, MONDO:0015356.
Ataxia-telangiectasia syndrome (AT). Also called: ATAXIA-TELANGIECTASIA, FRESNO VARIANT; Ataxia-telangiectasia, complementation group E; Ataxia telangiectasia (A-T); Cerebello-oculocutaneous telangiectasia; Immunodeficiency with ataxia telangiectasia; LOUIS-BAR SYNDROME. Identifiers: Orphanet 100, MedGen C0004135, MONDO:0008840, OMIM 208900.

Submissions (2):

Ambry Genetics
Classification: Uncertain significance for Hereditary cancer-predisposing syndrome. Last evaluated: 2025-02-13. Review status: criteria provided, single submitter. Criteria: Ambry Variant Classification Scheme 2023. Collection method: clinical testing. Allele origin: germline.
Comment: The p.L176M variant (also known as c.526C>A), located in coding exon 5 of the ATM gene, results from a C to A substitution at nucleotide position 526. The leucine at codon 176 is replaced by methionine, an amino acid with highly similar properties. This amino acid position is conserved. In addition, this alteration is predicted to be tolerated by in silico analysis. Based on the available evidence, the clinical significance of this variant remains unclear.

Labcorp Genetics (formerly Invitae), Labcorp
Classification: Uncertain significance for Ataxia-telangiectasia syndrome. Last evaluated: 2018-12-13. Review status: criteria provided, single submitter. Criteria: Invitae Variant Classification Sherloc (09022015). Collection method: clinical testing. Allele origin: germline.
Comment: This sequence change replaces leucine with methionine at codon 176 of the ATM protein (p.Leu176Met). The leucine residue is moderately conserved and there is a small physicochemical difference between leucine and methionine. This variant is not present in population databases (ExAC no frequency). This variant has not been reported in the literature in individuals with ATM-related conditions. Algorithms developed to predict the effect of missense changes on protein structure and function are either unavailable or do not agree on the potential impact of this missense change (SIFT: "Tolerated"; PolyPhen-2: "Possibly Damaging"; Align-GVGD: "Class C0"). In summary, the available evidence is currently insufficient to determine the role of this variant in disease. Therefore, it has been classified as a Variant of Uncertain Significance.

NM_000051.4(ATM):c.526C>A (p.Leu176Met)

Gene: ATM (ATM serine/threonine kinase; plus strand). Cytogenetic location: 11q22.3.
Variant type: single nucleotide variant.
Coding change: c.526C>A on transcript NM_000051.4 (MANE Select); coding-DNA position 526, C replaced by A.
Protein change: p.Leu176Met; replaces leucine 176 with methionine.
Molecular consequence: missense variant.
Genome position (GRCh38, 1-based): chr11:108,243,982, C>A. VCF-style: chr11-108243982-C-A. GRCh37 (hg19) VCF-style: chr11-108114709-C-A.
Other names: c.526C>A, p.Leu176Met (NM_001351834.2); short protein forms L176M.
Identifiers: ClinVar variation 652200 (VCV000652200.9), dbSNP rs375798802, ClinGen allele CA382527569.
Genomic context (GRCh38, chr11:108,243,982, plus strand): 5'-TCATGACTAATAATTTTTTTTTTTTTTTAAGAATTGTTCTCTGTGTACTTCAGGCTCTAT[C>A]TGAAACCTTCACAAGATGTTCATAGAGTTTTAGTGGCTAGAATAATTCATGCTGTTACCA-3'
Protein context (NP_000042.3, residues 166-186): ELFSVYFRLY[Leu176Met]KPSQDVHRVL